The following is an entry in ClinVar:

ClinVar aggregate classification (germline): Uncertain significance (1 of 4 stars; one submission).

Conditions:
Pierson syndrome. Also called: MICROCORIA-CONGENITAL NEPHROTIC SYNDROME. Identifiers: Orphanet 2670, MedGen C1836876, MONDO:0012184, OMIM 609049.
LAMB2-related infantile-onset nephrotic syndrome. Also called: Nephrotic Syndrome, type 5; NEPHROTIC SYNDROME, TYPE 5, WITHOUT OCULAR ABNORMALITIES; NEPHROTIC SYNDROME, TYPE 5, WITH OCULAR ABNORMALITIES. Identifiers: Orphanet 306507, MedGen C3280113, MONDO:0013621, OMIM 614199.

gnomAD v4.1: 12 of 1,613,752 alleles (0.00074%); highest among the groups gnomAD compares: Admixed American, 0.012%; no homozygotes.

Submission:

Labcorp Genetics (formerly Invitae), Labcorp
Classification: Uncertain significance for LAMB2-related infantile-onset nephrotic syndrome; Pierson syndrome. Last evaluated: 2022-07-31. Review status: criteria provided, single submitter. Criteria: Invitae Variant Classification Sherloc (09022015). Collection method: clinical testing. Allele origin: germline.
Comment: This sequence change replaces arginine, which is basic and polar, with leucine, which is neutral and non-polar, at codon 853 of the LAMB2 protein (p.Arg853Leu). This variant is present in population databases (no rsID available, gnomAD 0.02%). This variant has not been reported in the literature in individuals affected with LAMB2-related conditions. ClinVar contains an entry for this variant (Variation ID: 1036249). Algorithms developed to predict the effect of missense changes on protein structure and function (SIFT, PolyPhen-2, Align-GVGD) all suggest that this variant is likely to be disruptive. Algorithms developed to predict the effect of sequence changes on RNA splicing suggest that this variant may disrupt the consensus splice site. In summary, the available evidence is currently insufficient to determine the role of this variant in disease. Therefore, it has been classified as a Variant of Uncertain Significance.

NM_002292.4(LAMB2):c.2558G>T (p.Arg853Leu)

Genes: LAMB2 (laminin subunit beta 2; minus strand), LOC129936738 (ATAC-STARR-seq lymphoblastoid active region 19855; plus strand). Cytogenetic location: 3p21.31.
Variant type: single nucleotide variant.
Coding change: c.2558G>T on transcript NM_002292.4 (MANE Select); coding-DNA position 2558, G replaced by T.
Protein change: p.Arg853Leu; replaces arginine 853 with leucine.
Molecular consequence: missense variant.
Genome position (GRCh38, 1-based): chr3:49,125,415, C>A on the plus strand (G>T on the coding strand, the complement: LAMB2 is on the minus strand). VCF-style: chr3-49125415-C-A. GRCh37 (hg19) VCF-style: chr3-49162848-C-A.
Other names: short protein forms R853L.
Identifiers: ClinVar variation 1036249 (VCV001036249.2), dbSNP rs774703538, ClinGen allele CA352720131.
Genomic context (GRCh38, chr3:49,125,415, plus strand): 5'-CTAGGGAATCCCCACTGGCCACGCTGGCAGCGGTCACAGCGAAGCCCAAAGGCACCAGTT[C>A]GACAGAGACATTGCCCACTGGTCTTTTCACAGAGACTGCTGAGTGCCCCCTCGTGGCTGC-3'
Protein context (NP_002283.3, residues 843-863): CEKTSGQCLC[Arg853Leu]TGAFGLRCDR